The following is an entry in ClinVar:

NM_002700.3(POU4F3):c.227C>G (p.Pro76Arg)

Genes: POU4F3 (POU class 4 homeobox 3; plus strand), RBM27-POU4F3 (RBM27-POU4F3 readthrough; plus strand). Cytogenetic location: 5q32.
Variant type: single nucleotide variant.
Coding change: c.227C>G on transcript NM_002700.3 (MANE Select); coding-DNA position 227, C replaced by G.
Protein change: p.Pro76Arg; replaces proline 76 with arginine.
Molecular consequence: missense variant. On other transcripts: 3 prime UTR variant (1).
Genome position (GRCh38, 1-based): chr5:146,339,654, C>G. VCF-style: chr5-146339654-C-G. GRCh37 (hg19) VCF-style: chr5-145719217-C-G.
Other names: c.*96C>G (NM_001414499.1); short protein forms P76R.
Identifiers: ClinVar variation 4983068 (VCV004983068.1).

ClinVar aggregate classification (germline): Uncertain significance (1 of 4 stars; one submission).

Conditions:
POU4F3-related disorder. Also called: POU4F3-related condition.

Submission:

PreventionGenetics, part of Exact Sciences
Classification: Uncertain significance for POU4F3-related condition. Last evaluated: 2026-08-02. Review status: criteria provided, single submitter. Criteria: ACMG Guidelines, 2015. Collection method: clinical testing. Allele origin: germline.
Comment: The POU4F3 c.227C>G variant is predicted to result in the amino acid substitution p.Pro76Arg. To our knowledge, this variant has not been reported in the literature or in a large population database (gnomAD), indicating this variant is rare. At this time, the clinical significance of this variant is uncertain due to the absence of conclusive functional and genetic evidence.